The following is an entry in ClinVar:

NM_001040716.2(PC):c.2170A>T (p.Met724Leu)

Gene: PC (pyruvate carboxylase; minus strand). Cytogenetic location: 11q13.2.
Variant type: single nucleotide variant.
Coding change: c.2170A>T on transcript NM_001040716.2 (MANE Select); coding-DNA position 2170, A replaced by T.
Protein change: p.Met724Leu; replaces methionine 724 with leucine.
Molecular consequence: missense variant.
Genome position (GRCh38, 1-based): chr11:66,851,093, T>A on the plus strand (A>T on the coding strand, the complement: PC is on the minus strand). VCF-style: chr11-66851093-T-A. GRCh37 (hg19) VCF-style: chr11-66618564-T-A.
Other names: c.2170A>T, p.Met724Leu (NM_000920.4, NM_022172.3); short protein forms M724L.
Identifiers: ClinVar variation 2148386 (VCV002148386.4), dbSNP rs754231451, ClinGen allele CA381493549.
Genomic context (GRCh38, chr11:66,851,093, plus strand): 5'-CAGGCACCTTGATGCACAGGATGTGGGTGCCAGCTCGCACCAGCTCTTCGGCCAAGCCCA[T>A]GTAGTACTGCAGTGAGTACTTGGTGCGGCTGGGGTCGGCCACGTCGCCCGTGTATGAGAT-3'
Protein context (NP_001035806.1, residues 714-734): SRTKYSLQYY[Met724Leu]GLAEELVRAG

ClinVar aggregate classification (germline): Uncertain significance (1 of 4 stars; one submission).

Conditions:
Pyruvate carboxylase deficiency. Also called: Pyruvate Carboxylase Deficiency Disease; LEIGH NECROTIZING ENCEPHALOPATHY DUE TO PYRUVATE CARBOXYLASE DEFICIENCY; LEIGH SYNDROME DUE TO PYRUVATE CARBOXYLASE DEFICIENCY; PC DEFICIENCY; ATAXIA WITH LACTIC ACIDOSIS II. Identifiers: Orphanet 3008, MedGen C0034341, MONDO:0009949, OMIM 266150.

Submission:

Labcorp Genetics (formerly Invitae), Labcorp
Classification: Uncertain significance for Pyruvate carboxylase deficiency. Last evaluated: 2022-01-26. Review status: criteria provided, single submitter. Criteria: Invitae Variant Classification Sherloc (09022015). Collection method: clinical testing. Allele origin: germline.
Comment: In summary, the available evidence is currently insufficient to determine the role of this variant in disease. Therefore, it has been classified as a Variant of Uncertain Significance. Algorithms developed to predict the effect of missense changes on protein structure and function output the following: SIFT: "Tolerated"; PolyPhen-2: "Benign"; Align-GVGD: "Class C0". The leucine amino acid residue is found in multiple mammalian species, which suggests that this missense change does not adversely affect protein function. This variant has not been reported in the literature in individuals affected with PC-related conditions. This variant is not present in population databases (gnomAD no frequency). This sequence change replaces methionine, which is neutral and non-polar, with leucine, which is neutral and non-polar, at codon 724 of the PC protein (p.Met724Leu).